The following is an entry in ClinVar:

ClinVar aggregate classification (germline): Uncertain significance (1 of 4 stars; one submission).

Conditions:
Familial cold autoinflammatory syndrome 3 (FCAS3). Also called: ANTIBODY DEFICIENCY AND IMMUNE DYSREGULATION, PLCG2-ASSOCIATED; FAMILIAL ATYPICAL COLD URTICARIA. Identifiers: Orphanet 300359, MedGen C3280914, MONDO:0013766, OMIM 614468.

Allele frequency attached by ClinVar (database versions not stated): TOPMed below 0.00001; gnomAD exomes 0.00001; ExAC 0.00002.
gnomAD v4.1: 11 of 1,614,174 alleles (0.00068%); highest among the groups gnomAD compares: Non-Finnish European, 0.00076%; no homozygotes.

Submission:

Labcorp Genetics (formerly Invitae), Labcorp
Classification: Uncertain significance for Familial cold autoinflammatory syndrome 3. Last evaluated: 2022-01-14. Review status: criteria provided, single submitter. Criteria: Invitae Variant Classification Sherloc (09022015). Collection method: clinical testing. Allele origin: germline.
Comment: In summary, the available evidence is currently insufficient to determine the role of this variant in disease. Therefore, it has been classified as a Variant of Uncertain Significance. Algorithms developed to predict the effect of missense changes on protein structure and function are either unavailable or do not agree on the potential impact of this missense change (SIFT: "Tolerated"; PolyPhen-2: "Probably Damaging"; Align-GVGD: "Class C0"). This variant has not been reported in the literature in individuals affected with PLCG2-related conditions. This variant is present in population databases (rs770521320, gnomAD 0.002%). This sequence change replaces leucine, which is neutral and non-polar, with methionine, which is neutral and non-polar, at codon 1216 of the PLCG2 protein (p.Leu1216Met).

NM_002661.5(PLCG2):c.3646C>A (p.Leu1216Met)

Gene: PLCG2 (phospholipase C gamma 2; plus strand). Cytogenetic location: 16q23.3.
Variant type: single nucleotide variant.
Coding change: c.3646C>A on transcript NM_002661.5 (MANE Select); coding-DNA position 3646, C replaced by A.
Protein change: p.Leu1216Met; replaces leucine 1216 with methionine.
Molecular consequence: missense variant.
Genome position (GRCh38, 1-based): chr16:81,956,770, C>A. VCF-style: chr16-81956770-C-A. GRCh37 (hg19) VCF-style: chr16-81990375-C-A.
Other names: short protein forms L1216M.
Identifiers: ClinVar variation 1449723 (VCV001449723.8), dbSNP rs770521320, ClinGen allele CA8194794.